The following is an entry in ClinVar:

ClinVar aggregate classification (germline): Likely pathogenic (1 of 4 stars; one submission).

Conditions:
Familial thoracic aortic aneurysm and aortic dissection (TAAD). Also called: Thoracic aortic aneurysms and dissections. Identifiers: Orphanet 91387, MedGen C4707243, MONDO:0019625.

Submission:

Ambry Genetics
Classification: Likely pathogenic for Familial thoracic aortic aneurysm and aortic dissection. Last evaluated: 2019-06-10. Review status: criteria provided, single submitter. Criteria: Ambry Variant Classification Scheme 2023. Collection method: clinical testing. Allele origin: germline.
Comment: The c.1147_1147+9del10 variant is located in coding exon 9 if the FBN1 gene. This variant results from a deletion of 10 nucleotides at positions c.1147 to c.1147+9 and involves the last base pair of coding exon 9 as well as the first 9 intronic nucleotides, including the canonical donor splice site. Using the BDGP and ESEfinder splice site prediction tools, this alteration is predicted to abolish the native splice donor site; however, direct experimental evidence is unavailable. Alterations that disrupt the canonical splice site are expected to cause aberrant splicing, resulting in an abnormal protein or a transcript that is subject to nonsense-mediated mRNA decay. As such, this alteration is classified as likely pathogenic.

NM_000138.5(FBN1):c.1147_1147+9del

Genes: FBN1 (fibrillin 1; minus strand), LOC113939944 (Sharpr-MPRA regulatory region 9539; plus strand). Cytogenetic location: 15q21.1.
Variant type: Deletion.
Coding change: c.1147_1147+9del on transcript NM_000138.5 (MANE Select); coding-DNA position 1147 through 9 bases into the intron after coding-DNA position 1147, 10 bases deleted (GGTAAGAGCC; older notation c.1147_1147+9delGGTAAGAGCC).
Molecular consequence: splice donor variant.
Genome position (GRCh38, 1-based): chr15:48,520,650-48,520,659, GGCTCTTACC deleted on the plus strand (GGTAAGAGCC on the coding strand, the reverse complement: FBN1 is on the minus strand); deleting any 10 consecutive bases within chr15:48,520,650-48,520,661 gives the same sequence; the c. name uses the placement nearest the transcript's 3' end. VCF-style (leftmost placement, unchanged base first): chr15-48520649-GGGCTCTTACC-G. GRCh37 (hg19) VCF-style: chr15-48812846-GGGCTCTTACC-G.
Identifiers: ClinVar variation 1732742 (VCV001732742.2), dbSNP rs2505628570, ClinGen allele CA2580089556.